The following is an entry in ClinVar:

NM_001457.4(FLNB):c.6971A>C (p.His2324Pro)

Gene: FLNB (filamin B; plus strand). Cytogenetic location: 3p14.3.
Variant type: single nucleotide variant.
Coding change: c.6971A>C on transcript NM_001457.4 (MANE Select); coding-DNA position 6971, A replaced by C.
Protein change: p.His2324Pro; replaces histidine 2324 with proline.
Molecular consequence: missense variant.
Genome position (GRCh38, 1-based): chr3:58,159,636, A>C. VCF-style: chr3-58159636-A-C. GRCh37 (hg19) VCF-style: chr3-58145363-A-C.
Other names: c.7064A>C, p.His2355Pro (NM_001164317.2); c.6938A>C, p.His2313Pro (NM_001164318.2); c.6899A>C, p.His2300Pro (NM_001164319.2); short protein forms H2313P, H2324P, H2355P, H2300P.
Identifiers: ClinVar variation 2098206 (VCV002098206.4), dbSNP rs202222289, ClinGen allele CA2469558.

ClinVar aggregate classification (germline): Uncertain significance (1 of 4 stars; one submission).

Allele frequency attached by ClinVar (database versions not stated): ExAC 0.00310.

Submission:

Labcorp Genetics (formerly Invitae), Labcorp
Classification: Uncertain significance. Last evaluated: 2022-09-10. Review status: criteria provided, single submitter. Criteria: Invitae Variant Classification Sherloc (09022015). Collection method: clinical testing. Allele origin: germline.
Comment: In summary, the available evidence is currently insufficient to determine the role of this variant in disease. Therefore, it has been classified as a Variant of Uncertain Significance. Advanced modeling of protein sequence and biophysical properties (such as structural, functional, and spatial information, amino acid conservation, physicochemical variation, residue mobility, and thermodynamic stability) performed at Invitae indicates that this missense variant is not expected to disrupt FLNB protein function. This variant has not been reported in the literature in individuals affected with FLNB-related conditions. The frequency data for this variant in the population databases is considered unreliable, as metrics indicate poor data quality at this position in the gnomAD database. This sequence change replaces histidine, which is basic and polar, with proline, which is neutral and non-polar, at codon 2324 of the FLNB protein (p.His2324Pro).